The following is an entry in ClinVar:

NM_000817.3(GAD1):c.1252G>T (p.Val418Phe)

Gene: GAD1 (glutamate decarboxylase 1; plus strand). Cytogenetic location: 2q31.1.
Variant type: single nucleotide variant.
Coding change: c.1252G>T on transcript NM_000817.3 (MANE Select); coding-DNA position 1252, G replaced by T.
Protein change: p.Val418Phe; replaces valine 418 with phenylalanine.
Molecular consequence: missense variant.
Genome position (GRCh38, 1-based): chr2:170,852,781, G>T. VCF-style: chr2-170852781-G-T. GRCh37 (hg19) VCF-style: chr2-171709291-G-T.
Other names: short protein forms V418F.
Identifiers: ClinVar variation 332237 (VCV000332237.37), dbSNP rs143058194, ClinGen allele CA1962912.
Genomic context (GRCh38, chr2:170,852,781, plus strand): 5'-TCAGTCACCTGGAACCCTCACAAGATGATGGGCGTGCTGTTGCAGTGCTCTGCCATTCTC[G>T]TCAAGGAAAAGGTCTGTACTCCCTCCAAAGCTACACTGGGGCCCGTACGTTCTTTAGAAA-3'
Protein context (NP_000808.2, residues 408-428): GVLLQCSAIL[Val418Phe]KEKGILQGCN

ClinVar aggregate classification (germline): Conflicting classifications of pathogenicity. Review status: criteria provided, conflicting classifications (1 of 4 stars). 7 submissions from 7 submitters: Uncertain significance (5); Likely benign (1). 1 of the submissions does not count toward it. Last evaluated 2025-08-01.

Conditions:
Inborn genetic diseases. Identifiers: MedGen C0950123, MeSH D030342.
Hereditary spastic paraplegia. Also called: Familial spastic paraparesis. Identifiers: Orphanet 685, MedGen C0037773, MONDO:0019064. Disease mechanism: loss of function.
Neurodevelopmental disorder with progressive spasticity and brain white matter abnormalities. Also called: CEREBRAL PALSY, SPASTIC QUADRIPLEGIC, 1. Identifiers: Orphanet 210141, Orphanet 641353, MedGen C5436628, MONDO:0033613, OMIM 619026.
GAD1-related disorder. Also called: GAD1-related condition.

Allele frequency attached by ClinVar (database versions not stated): TOPMed 0.00074; 1000 Genomes Project 30x 0.00125; 1000 Genomes Project 0.00140.
gnomAD v4.1: 772 of 1,614,030 alleles (0.048%); highest among the groups gnomAD compares: Middle Eastern, 0.46%; 3 homozygotes.

Submissions (7):

CeGaT Center for Human Genetics Tuebingen
Classification: Likely benign. Last evaluated: 2025-08-01. Review status: criteria provided, single submitter. Criteria: CeGaT Center For Human Genetics Tuebingen Variant Classification Criteria Version 2. Collection method: clinical testing. Allele origin: germline. Affected: yes. Observed: 2 variant alleles.
Comment: GAD1: BP4, BS2

Ambry Genetics
Classification: Uncertain significance for Inborn genetic diseases. Last evaluated: 2024-02-07. Review status: criteria provided, single submitter. Criteria: Ambry Variant Classification Scheme 2023. Collection method: clinical testing. Allele origin: germline.

Labcorp Genetics (formerly Invitae), Labcorp
Classification: Uncertain significance for Neurodevelopmental disorder with progressive spasticity and brain white matter abnormalities. Last evaluated: 2021-08-31. Review status: criteria provided, single submitter. Criteria: Invitae Variant Classification Sherloc (09022015). Collection method: clinical testing. Allele origin: germline.
Comment: This sequence change replaces valine with phenylalanine at codon 418 of the GAD1 protein (p.Val418Phe). The valine residue is moderately conserved and there is a small physicochemical difference between valine and phenylalanine. This variant is present in population databases (rs143058194, ExAC 0.08%). This missense change has been observed in individual(s) with GAD1-related disease (PMID: 28832565). ClinVar contains an entry for this variant (Variation ID: 332237). Algorithms developed to predict the effect of missense changes on protein structure and function are either unavailable or do not agree on the potential impact of this missense change (SIFT: "Tolerated"; PolyPhen-2: "Possibly Damaging"; Align-GVGD: "Class C0"). In summary, the available evidence is currently insufficient to determine the role of this variant in disease. Therefore, it has been classified as a Variant of Uncertain Significance.

Illumina Laboratory Services, Illumina
Classification: Uncertain significance. Last evaluated: 2018-01-12. Review status: criteria provided, single submitter. Criteria: ICSL Variant Classification Criteria 13 December 2019. Collection method: clinical testing. Allele origin: germline.

Unit for Genetic & Epidemiological Research on Neurological Disorders, Instituto de Investigação e Inovação em Saúde
Classification: Uncertain significance for Hereditary spastic paraplegia. Last evaluated: 2017-03-07. Review status: criteria provided, single submitter. Criteria: Morais et al. (Eur J Hum Genet. 2017). Collection method: research. Allele origin: inherited. Affected: yes.

Breakthrough Genomics
Classification: Uncertain significance. Review status: criteria provided, single submitter. Criteria: ACMG Guidelines, 2015. Collection method: not provided. Allele origin: germline. Inheritance: Autosomal recessive inheritance. Affected: yes.

PreventionGenetics, part of Exact Sciences
Classification: Likely benign for GAD1-related condition. Last evaluated: 2022-05-18. Review status: no assertion criteria provided. Collection method: clinical testing. Allele origin: germline. Not counted in ClinVar's aggregate classification.
Comment: This variant is classified as likely benign based on ACMG/AMP sequence variant interpretation guidelines (Richards et al. 2015 PMID: 25741868, with internal and published modifications).

Literature cited by the submitters: PubMed 28832565 (cited by Labcorp Genetics (formerly Invitae), Labcorp).